The following is an entry in ClinVar:

NM_199420.4(POLQ):c.7653T>G (p.Val2551=)

Gene: POLQ (DNA polymerase theta; minus strand). Cytogenetic location: 3q13.33.
Variant type: single nucleotide variant.
Coding change: c.7653T>G on transcript NM_199420.4 (MANE Select); coding-DNA position 7653, T replaced by G.
Protein change: p.Val2551=; no amino-acid change (valine 2551 retained).
Molecular consequence: synonymous variant.
Genome position (GRCh38, 1-based): chr3:121,432,924, A>C on the plus strand (T>G on the coding strand, the complement: POLQ is on the minus strand). VCF-style: chr3-121432924-A-C. GRCh37 (hg19) VCF-style: chr3-121151771-A-C.
Identifiers: ClinVar variation 1759989 (VCV001759989.4), dbSNP rs376359599, ClinGen allele CA2562114.
Genomic context (GRCh38, chr3:121,432,924, plus strand): 5'-GACAATACAGTGTCTTGTCTTCCTATGGAATGGACACAAGCATTGCAAAAATACCTGAAC[A>C]ACATCTTCTTCTGCCACTTCATATAGGAGTTCATCATGGAGTTGAAGGATGAAGAAGCCT-3'
Protein context (NP_955452.3, residues 2541-2561): ELLYEVAEED[Val2551=]VQVAQIVKNE

ClinVar aggregate classification (germline): Likely benign. Review status: criteria provided, single submitter (1 of 4 stars). 2 submissions from 2 submitters: Likely benign (1). 1 of the submissions does not count toward it. Last evaluated 2022-02-28.

Conditions:
POLQ-related disorder. Also called: POLQ-related condition.

Allele frequency attached by ClinVar (database versions not stated): gnomAD exomes below 0.00001; ExAC 0.00005; ESP Exome Variant Server 0.00008; gnomAD 0.00013; TOPMed 0.00018.
gnomAD v4.1: 23 of 1,567,414 alleles (0.0015%); highest among the groups gnomAD compares: African/African-American, 0.031%; no homozygotes.

Submissions (2):

Ambry Genetics
Classification: Likely benign. Last evaluated: 2022-02-28. Review status: criteria provided, single submitter. Criteria: Ambry Variant Classification Scheme 2023. Collection method: clinical testing. Allele origin: germline.

PreventionGenetics, part of Exact Sciences
Classification: Likely benign for POLQ-related condition. Last evaluated: 2019-05-02. Review status: no assertion criteria provided. Collection method: clinical testing. Allele origin: germline. Not counted in ClinVar's aggregate classification.
Comment: This variant is classified as likely benign based on ACMG/AMP sequence variant interpretation guidelines (Richards et al. 2015 PMID: 25741868, with internal and published modifications).